The following is an entry in ClinVar:

NM_001366385.1(CARD14):c.2197G>A (p.Gly733Ser)

Genes: SGSH (N-sulfoglucosamine sulfohydrolase; minus strand), CARD14 (caspase recruitment domain family member 14; plus strand). Cytogenetic location: 17q25.3.
Variant type: single nucleotide variant.
Coding change: c.2197G>A on transcript NM_001366385.1 (MANE Select); coding-DNA position 2197, G replaced by A.
Protein change: p.Gly733Ser; replaces glycine 733 with serine.
Molecular consequence: missense variant. On other transcripts: non-coding transcript variant (1).
Genome position (GRCh38, 1-based): chr17:80,202,398, G>A. VCF-style: chr17-80202398-G-A. GRCh37 (hg19) VCF-style: chr17-78176197-G-A.
Other names: c.2197G>A, p.Gly733Ser (NM_001257970.1, NM_024110.4); short protein forms G733S.
Identifiers: ClinVar variation 2930419 (VCV002930419.3), dbSNP rs747272365, ClinGen allele CA8817208.
Genomic context (GRCh38, chr17:80,202,398, plus strand): 5'-TGCGGCTGCTGGCATGCCCACCGCGTGAACTCTTACACCATGAAGGATACTGCCGCGCAC[G>A]GCACCATCCCCAACTACTCCAGGTGAGCAGCTGCCTCGAGCTCGGTGCGTCCCCAGAGAG-3'
Protein context (NP_001353314.1, residues 723-743): SYTMKDTAAH[Gly733Ser]TIPNYSRAQQ

ClinVar aggregate classification (germline): Uncertain significance (1 of 4 stars; one submission).

Conditions:
Pityriasis rubra pilaris (PRP). Also called: Pityriasis rubra pilaris--familial type. Identifiers: Orphanet 2897, MedGen C0032027, MONDO:0100017, OMIM 173200, MONDO:0008251.
Psoriasis 2. Identifiers: MedGen C1864497, MONDO:0011269, OMIM 602723.

Allele frequency attached by ClinVar (database versions not stated): gnomAD exomes below 0.00001; ExAC 0.00001; gnomAD 0.00001.
gnomAD v4.1: 7 of 1,612,494 alleles (0.00043%); highest among the groups gnomAD compares: Admixed American, 0.0017%; no homozygotes.

Submission:

Labcorp Genetics (formerly Invitae), Labcorp
Classification: Uncertain significance for Pityriasis rubra pilaris; Psoriasis 2. Last evaluated: 2023-09-11. Review status: criteria provided, single submitter. Criteria: Invitae Variant Classification Sherloc (09022015). Collection method: clinical testing. Allele origin: germline.
Comment: In summary, the available evidence is currently insufficient to determine the role of this variant in disease. Therefore, it has been classified as a Variant of Uncertain Significance. Advanced modeling of protein sequence and biophysical properties (such as structural, functional, and spatial information, amino acid conservation, physicochemical variation, residue mobility, and thermodynamic stability) performed at Invitae indicates that this missense variant is expected to disrupt CARD14 protein function. This variant has not been reported in the literature in individuals affected with CARD14-related conditions. This variant is present in population databases (rs747272365, gnomAD 0.01%). This sequence change replaces glycine, which is neutral and non-polar, with serine, which is neutral and polar, at codon 733 of the CARD14 protein (p.Gly733Ser).